The following is an entry in ClinVar:

ClinVar aggregate classification (germline): Pathogenic. Review status: criteria provided, single submitter (1 of 4 stars). 2 submissions from 2 submitters: Pathogenic (1). 1 of the submissions does not count toward it. Last evaluated 2019-03-29.

Conditions:
Familial thoracic aortic aneurysm and aortic dissection (TAAD). Also called: Thoracic aortic aneurysms and dissections. Identifiers: Orphanet 91387, MedGen C4707243, MONDO:0019625.
Marfan syndrome (MFS). Also called: Marfan syndrome type 1; Marfan syndrome, classic; Marfan's syndrome; FBN1-Related Marfan Syndrome; MARFAN SYNDROME, TYPE I. Identifiers: Orphanet 284963, Orphanet 558, MedGen C0024796, MONDO:0007947, OMIM 154700.

Submissions (2):

Labcorp Genetics (formerly Invitae), Labcorp
Classification: Pathogenic for Marfan syndrome; Familial thoracic aortic aneurysm and aortic dissection. Last evaluated: 2019-03-29. Review status: criteria provided, single submitter. Criteria: Invitae Variant Classification Sherloc (09022015). Collection method: clinical testing. Allele origin: germline.
Comment: This variant disrupts the p.Cys1068 amino acid residue in FBN1. Other variant(s) that disrupt this residue have been observed in individuals with FBN1-related conditions (PMID: 20803651), which suggests that this may be a clinically significant amino acid residue. This variant affects a cysteine residue in the EGF-like, TGFBP or hybrid motif domains of FBN1. Cysteine residues are believed to be involved in intramolecular disulfide bridges and have been shown to be important for FBN1 protein structure (PMID: 16905551, 19349279). In addition, missense substitutions affecting cysteine residues within these domains are significantly overrepresented among patients with Marfan syndrome (PMID: 16571647, 17701892). This variant has been observed in individuals affected with neonatal Marfan syndrome (PMID: 19293843, 15264290) and in one of these individuals the variant was observed to be de novo. ClinVar contains an entry for this variant (Variation ID: 549137). This variant is not present in population databases (ExAC no frequency). This sequence change replaces cysteine with arginine at codon 1068 of the FBN1 protein (p.Cys1068Arg). The cysteine residue is highly conserved and there is a large physicochemical difference between cysteine and arginine. For these reasons, this variant has been classified as Pathogenic.

Center for Medical Genetics Ghent, University of Ghent
Classification: Pathogenic for Marfan syndrome. Last evaluated: 2017-11-07. Review status: no assertion criteria provided. Collection method: clinical testing. Allele origin: germline. Affected: yes. Not counted in ClinVar's aggregate classification.

Literature cited by the submitters: PubMed 20803651 (cited by Labcorp Genetics (formerly Invitae), Labcorp); PubMed 16905551 (cited by Labcorp Genetics (formerly Invitae), Labcorp); PubMed 19349279 (cited by Labcorp Genetics (formerly Invitae), Labcorp); PubMed 16571647 (cited by Labcorp Genetics (formerly Invitae), Labcorp); PubMed 17701892 (cited by Labcorp Genetics (formerly Invitae), Labcorp); PubMed 19293843 (cited by Labcorp Genetics (formerly Invitae), Labcorp); PubMed 15264290 (cited by Labcorp Genetics (formerly Invitae), Labcorp).

NM_000138.5(FBN1):c.3202T>C (p.Cys1068Arg)

Gene: FBN1 (fibrillin 1; minus strand). Cytogenetic location: 15q21.1.
Variant type: single nucleotide variant.
Coding change: c.3202T>C on transcript NM_000138.5 (MANE Select); coding-DNA position 3202, T replaced by C.
Protein change: p.Cys1068Arg; replaces cysteine 1068 with arginine.
Molecular consequence: missense variant.
Genome position (GRCh38, 1-based): chr15:48,488,374, A>G on the plus strand (T>C on the coding strand, the complement: FBN1 is on the minus strand). VCF-style: chr15-48488374-A-G. GRCh37 (hg19) VCF-style: chr15-48780571-A-G.
Other names: short protein forms C1068R.
Identifiers: ClinVar variation 549137 (VCV000549137.10), dbSNP rs1293095681, ClinGen allele CA392327840.